The following is an entry in ClinVar:

ClinVar aggregate classification (germline): Pathogenic (1 of 4 stars; one submission).

Submission:

Labcorp Genetics (formerly Invitae), Labcorp
Classification: Pathogenic. Last evaluated: 2024-01-18. Review status: criteria provided, single submitter. Criteria: Invitae Variant Classification Sherloc (09022015). Collection method: clinical testing. Allele origin: germline.
Comment: This sequence change creates a premature translational stop signal (p.Lys673*) in the NBAS gene. It is expected to result in an absent or disrupted protein product. Loss-of-function variants in NBAS are known to be pathogenic (PMID: 26073778, 26541327, 27789416, 28031453). This variant is not present in population databases (gnomAD no frequency). This variant has not been reported in the literature in individuals affected with NBAS-related conditions. Algorithms developed to predict the effect of sequence changes on RNA splicing suggest that this variant may disrupt the consensus splice site. For these reasons, this variant has been classified as Pathogenic.

Literature cited by the submitters: PubMed 26073778; PubMed 26541327; PubMed 27789416; PubMed 28031453.

NM_015909.4(NBAS):c.2017A>T (p.Lys673Ter)

Gene: NBAS (NBAS subunit of NRZ tethering complex; minus strand). Cytogenetic location: 2p24.3.
Variant type: single nucleotide variant.
Coding change: c.2017A>T on transcript NM_015909.4 (MANE Select); coding-DNA position 2017, A replaced by T.
Protein change: p.Lys673Ter; replaces lysine 673 with a stop codon.
Molecular consequence: nonsense. On other transcripts: non-coding transcript variant (1).
Genome position (GRCh38, 1-based): chr2:15,467,665, T>A on the plus strand (A>T on the coding strand, the complement: NBAS is on the minus strand). VCF-style: chr2-15467665-T-A. GRCh37 (hg19) VCF-style: chr2-15607789-T-A.
Other names: short protein forms K673*.
Identifiers: ClinVar variation 2710019 (VCV002710019.3), dbSNP rs2528106278, ClinGen allele CA345882666.